The following is an entry in ClinVar:

ClinVar aggregate classification (germline): Pathogenic (1 of 4 stars; one submission).

Conditions:
Familial thoracic aortic aneurysm and aortic dissection (TAAD). Also called: Thoracic aortic aneurysms and dissections. Identifiers: Orphanet 91387, MedGen C4707243, MONDO:0019625.
Marfan syndrome (MFS). Also called: Marfan syndrome type 1; Marfan's syndrome; Marfan syndrome, classic; MARFAN SYNDROME, TYPE I; FBN1-Related Marfan Syndrome. Identifiers: Orphanet 284963, Orphanet 558, MedGen C0024796, MONDO:0007947, OMIM 154700.

Submission:

Labcorp Genetics (formerly Invitae), Labcorp
Classification: Pathogenic for Marfan syndrome; Familial thoracic aortic aneurysm and aortic dissection. Last evaluated: 2020-06-02. Review status: criteria provided, single submitter. Criteria: Invitae Variant Classification Sherloc (09022015). Collection method: clinical testing. Allele origin: germline.
Comment: For these reasons, this variant has been classified as Pathogenic. Loss-of-function variants in FBN1 are known to be pathogenic (PMID: 17657824, 19293843). This variant has been observed in individual(s) with Marfan syndrome (PMID: 16222657). In at least one individual the variant was observed to be de novo. This variant is not present in population databases (ExAC no frequency). This sequence change creates a premature translational stop signal (p.Cys2348Serfs*18) in the FBN1 gene. It is expected to result in an absent or disrupted protein product.

Literature cited by the submitters: PubMed 17657824; PubMed 19293843; PubMed 16222657.

NM_000138.5(FBN1):c.7043_7044del (p.Cys2348fs)

Gene: FBN1 (fibrillin 1; minus strand). Cytogenetic location: 15q21.1.
Variant type: Microsatellite.
Coding change: c.7043_7044del on transcript NM_000138.5 (MANE Select); coding-DNA positions 7043 to 7044, 2 bases deleted (GT; older notation c.7043_7044delGT).
Protein change: p.Cys2348fs; shifts the reading frame from cysteine 2348.
Molecular consequence: frameshift variant.
Genome position (GRCh38, 1-based): chr15:48,427,727-48,427,728, AC deleted on the plus strand (GT on the coding strand, the reverse complement: FBN1 is on the minus strand); deleting any 2 consecutive bases within chr15:48,427,727-48,427,731 gives the same sequence; the c. name uses the placement nearest the transcript's 3' end. VCF-style (leftmost placement, unchanged base first): chr15-48427726-GAC-G. GRCh37 (hg19) VCF-style: chr15-48719923-GAC-G.
Other names: short protein forms C2348fs.
Identifiers: ClinVar variation 1073221 (VCV001073221.9), dbSNP rs2141229101, ClinGen allele CA2580613826.